The following is an entry in ClinVar:

NM_014874.4(MFN2):c.1762C>T (p.Pro588Ser)

Gene: MFN2 (mitofusin 2; plus strand). Cytogenetic location: 1p36.22.
Variant type: single nucleotide variant.
Coding change: c.1762C>T on transcript NM_014874.4 (MANE Select); coding-DNA position 1762, C replaced by T.
Protein change: p.Pro588Ser; replaces proline 588 with serine.
Molecular consequence: missense variant.
Genome position (GRCh38, 1-based): chr1:12,006,583, C>T. VCF-style: chr1-12006583-C-T. GRCh37 (hg19) VCF-style: chr1-12066640-C-T.
Other names: c.1762C>T, p.Pro588Ser (NM_001127660.2); short protein forms P588S.
Identifiers: ClinVar variation 1419639 (VCV001419639.8), dbSNP rs771043011, ClinGen allele CA599222.

ClinVar aggregate classification (germline): Uncertain significance (1 of 4 stars; one submission).

Conditions:
Charcot-Marie-Tooth disease type 2. Also called: Charcot-Marie-Tooth type 2. Identifiers: Orphanet 64746, MedGen C0270914, MONDO:0018993.

Allele frequency attached by ClinVar (database versions not stated): ExAC 0.00002; gnomAD 0.00003 and 0.00004; gnomAD exomes below 0.00001; TOPMed 0.00004.
gnomAD v4.1: 9 of 1,614,136 alleles (0.00056%); highest among the groups gnomAD compares: African/African-American, 0.008%; no homozygotes.

Submission:

Labcorp Genetics (formerly Invitae), Labcorp
Classification: Uncertain significance for Charcot-Marie-Tooth disease type 2. Last evaluated: 2024-09-12. Review status: criteria provided, single submitter. Criteria: Invitae Variant Classification Sherloc (09022015). Collection method: clinical testing. Allele origin: germline.
Comment: This sequence change replaces proline, which is neutral and non-polar, with serine, which is neutral and polar, at codon 588 of the MFN2 protein (p.Pro588Ser). This variant is present in population databases (rs771043011, gnomAD 0.004%). This variant has not been reported in the literature in individuals affected with MFN2-related conditions. ClinVar contains an entry for this variant (Variation ID: 1419639). Invitae Evidence Modeling of protein sequence and biophysical properties (such as structural, functional, and spatial information, amino acid conservation, physicochemical variation, residue mobility, and thermodynamic stability) indicates that this missense variant is not expected to disrupt MFN2 protein function with a negative predictive value of 80%. In summary, the available evidence is currently insufficient to determine the role of this variant in disease. Therefore, it has been classified as a Variant of Uncertain Significance.